The following is an entry in ClinVar:

ClinVar aggregate classification (germline): Uncertain significance (1 of 4 stars; one submission).

Submission:

Labcorp Genetics (formerly Invitae), Labcorp
Classification: Uncertain significance. Last evaluated: 2022-05-19. Review status: criteria provided, single submitter. Criteria: Invitae Variant Classification Sherloc (09022015). Collection method: clinical testing. Allele origin: germline.
Comment: This variant is not present in population databases (gnomAD no frequency). This variant has not been reported in the literature in individuals affected with TECTA-related conditions. Algorithms developed to predict the effect of missense changes on protein structure and function are either unavailable or do not agree on the potential impact of this missense change (SIFT: "Deleterious"; PolyPhen-2: "Possibly Damaging"; Align-GVGD: "Class C15"). In summary, the available evidence is currently insufficient to determine the role of this variant in disease. Therefore, it has been classified as a Variant of Uncertain Significance. This sequence change replaces phenylalanine, which is neutral and non-polar, with leucine, which is neutral and non-polar, at codon 990 of the TECTA protein (p.Phe990Leu).

NM_005422.4(TECTA):c.2968T>C (p.Phe990Leu)

Genes: TBCEL-TECTA (TBCEL-TECTA readthrough; plus strand), TECTA (tectorin alpha; plus strand). Cytogenetic location: 11q23.3.
Variant type: single nucleotide variant.
Coding change: c.2968T>C on transcript NM_005422.4 (MANE Select); coding-DNA position 2968, T replaced by C.
Protein change: p.Phe990Leu; replaces phenylalanine 990 with leucine.
Molecular consequence: missense variant.
Genome position (GRCh38, 1-based): chr11:121,137,447, T>C. VCF-style: chr11-121137447-T-C. GRCh37 (hg19) VCF-style: chr11-121008156-T-C.
Other names: c.3925T>C, p.Phe1309Leu (NM_001378761.1); short protein forms F1309L, F990L.
Identifiers: ClinVar variation 1996271 (VCV001996271.4), dbSNP rs2496939711, ClinGen allele CA383018260.